The following is an entry in ClinVar:

ClinVar aggregate classification (germline): Uncertain significance. Review status: criteria provided, multiple submitters, no conflicts (2 of 4 stars). 2 submissions from 2 submitters: Uncertain significance (2). Last evaluated 2023-03-19.

Conditions:
Hereditary cancer-predisposing syndrome. Also called: Hereditary Cancer Syndrome; Hereditary neoplastic syndrome; Neoplastic Syndromes, Hereditary; Tumor predisposition. Identifiers: Orphanet 140162, MedGen C0027672, MeSH D009386, MONDO:0015356.

Allele frequency attached by ClinVar (database versions not stated): gnomAD exomes below 0.00001; ExAC 0.00001.

Submissions (2):

Labcorp Genetics (formerly Invitae), Labcorp
Classification: Uncertain significance. Last evaluated: 2023-03-19. Review status: criteria provided, single submitter. Criteria: Invitae Variant Classification Sherloc (09022015). Collection method: clinical testing. Allele origin: germline.
Comment: This variant has not been reported in the literature in individuals affected with CTNNA1-related conditions. In summary, the available evidence is currently insufficient to determine the role of this variant in disease. Therefore, it has been classified as a Variant of Uncertain Significance. Advanced modeling of protein sequence and biophysical properties (such as structural, functional, and spatial information, amino acid conservation, physicochemical variation, residue mobility, and thermodynamic stability) performed at Invitae indicates that this missense variant is not expected to disrupt CTNNA1 protein function. ClinVar contains an entry for this variant (Variation ID: 1771988). The frequency data for this variant in the population databases is considered unreliable, as metrics indicate poor data quality at this position in the gnomAD database. This sequence change replaces proline, which is neutral and non-polar, with leucine, which is neutral and non-polar, at codon 47 of the CTNNA1 protein (p.Pro47Leu).

Ambry Genetics
Classification: Uncertain significance for Hereditary cancer-predisposing syndrome. Last evaluated: 2021-11-24. Review status: criteria provided, single submitter. Criteria: Ambry Variant Classification Scheme 2023. Collection method: clinical testing. Allele origin: germline.
Comment: The p.P47L variant (also known as c.140C>T), located in coding exon 2 of the CTNNA1 gene, results from a C to T substitution at nucleotide position 140. The proline at codon 47 is replaced by leucine, an amino acid with similar properties. This amino acid position is conserved. In addition, the in silico prediction for this alteration is inconclusive. Since supporting evidence is limited at this time, the clinical significance of this alteration remains unclear.

NM_001903.5(CTNNA1):c.140C>T (p.Pro47Leu)

Gene: CTNNA1 (catenin alpha 1; plus strand). Cytogenetic location: 5q31.2.
Variant type: single nucleotide variant.
Coding change: c.140C>T on transcript NM_001903.5 (MANE Select); coding-DNA position 140, C replaced by T.
Protein change: p.Pro47Leu; replaces proline 47 with leucine.
Molecular consequence: missense variant. On other transcripts: 5 prime UTR variant (1), intron variant (1).
Genome position (GRCh38, 1-based): chr5:138,783,211, C>T. VCF-style: chr5-138783211-C-T. GRCh37 (hg19) VCF-style: chr5-138118900-C-T.
Other names: c.140C>T, p.Pro47Leu (NM_001290307.3, NM_001323982.2, NM_001323983.1 and 3 more transcripts); c.-67C>T (NM_001290310.3); c.-9+1182C>T (NM_001290309.3); short protein forms P47L.
Identifiers: ClinVar variation 1771988 (VCV001771988.7), dbSNP rs757666042, ClinGen allele CA3431365.